The following is an entry in ClinVar:

ClinVar aggregate classification (germline): Likely benign. Review status: criteria provided, multiple submitters, no conflicts (2 of 4 stars). 2 submissions from 2 submitters: Likely benign (2). Last evaluated 2026-06-01.

Conditions:
Early Myoclonic Encephalopathy. Identifiers: MedGen C0270855.

Allele frequency attached by ClinVar (database versions not stated): gnomAD exomes 0.00001 and 0.00004; ExAC 0.00002; TOPMed 0.00006.
gnomAD v4.1: 22 of 1,613,898 alleles (0.0014%); highest among the groups gnomAD compares: Admixed American, 0.022%; no homozygotes.

Submissions (2):

CeGaT Center for Human Genetics Tuebingen
Classification: Likely benign. Last evaluated: 2026-06-01. Review status: criteria provided, single submitter. Criteria: CeGaT Center For Human Genetics Tuebingen Variant Classification Criteria Version 2. Collection method: clinical testing. Allele origin: germline. Affected: yes. Observed: 1 variant allele.
Comment: KCND2: BP4, BP7

Labcorp Genetics (formerly Invitae), Labcorp
Classification: Likely benign for Early Myoclonic Encephalopathy. Last evaluated: 2025-12-04. Review status: criteria provided, single submitter. Criteria: Invitae Variant Classification Sherloc (09022015). Collection method: clinical testing. Allele origin: germline.

NM_012281.3(KCND2):c.1635A>G (p.Val545=)

Gene: KCND2 (potassium voltage-gated channel subfamily D member 2; plus strand). Cytogenetic location: 7q31.31.
Variant type: single nucleotide variant.
Coding change: c.1635A>G on transcript NM_012281.3 (MANE Select); coding-DNA position 1635, A replaced by G.
Protein change: p.Val545=; no amino-acid change (valine 545 retained).
Molecular consequence: synonymous variant.
Genome position (GRCh38, 1-based): chr7:120,745,947, A>G. VCF-style: chr7-120745947-A-G. GRCh37 (hg19) VCF-style: chr7-120386001-A-G.
Identifiers: ClinVar variation 1571229 (VCV001571229.10), dbSNP rs763513144, ClinGen allele CA4453730.